The following is an entry in ClinVar:

ClinVar aggregate classification (germline): Uncertain significance. Review status: criteria provided, multiple submitters, no conflicts (2 of 4 stars). 4 submissions from 4 submitters: Uncertain significance (4). Last evaluated 2025-10-27.

Conditions:
Hypertrophic cardiomyopathy 15. Identifiers: MedGen C2750459, MONDO:0013200, OMIM 613255.
Dilated cardiomyopathy 1W (CMD1W). Identifiers: Orphanet 154, MedGen C1969639, MONDO:0012667, OMIM 611407.
Cardiovascular phenotype. Identifiers: MedGen CN230736.

Submissions (4):

Ambry Genetics
Classification: Uncertain significance for Cardiovascular phenotype. Last evaluated: 2025-10-27. Review status: criteria provided, single submitter. Criteria: Ambry Variant Classification Scheme 2023. Collection method: clinical testing. Allele origin: germline.
Comment: The c.686dupA variant, located in coding exon 6 of the VCL gene, results from a duplication of A at nucleotide position 686, causing a translational frameshift with a predicted alternate stop codon (p.N229Kfs*12). This alteration is expected to result in protein truncation or nonsense-mediated mRNA decay. However, loss of function has not been established as a mechanism of disease. Based on the available evidence, the clinical significance of this alteration remains unclear.

Labcorp Genetics (formerly Invitae), Labcorp
Classification: Uncertain significance for Dilated cardiomyopathy 1W. Last evaluated: 2025-07-22. Review status: criteria provided, single submitter. Criteria: Invitae Variant Classification Sherloc (09022015). Collection method: clinical testing. Allele origin: germline.
Comment: This sequence change creates a premature translational stop signal (p.Asn229Lysfs*12) in the VCL gene. It is expected to result in an absent or disrupted protein product. However, the current clinical and genetic evidence is not sufficient to establish whether loss-of-function variants in VCL cause disease. This variant is present in population databases (rs776583302, gnomAD 0.007%). This variant has not been reported in the literature in individuals affected with VCL-related conditions. ClinVar contains an entry for this variant (Variation ID: 1309830). In summary, the available evidence is currently insufficient to determine the role of this variant in disease. Therefore, it has been classified as a Variant of Uncertain Significance.

Fulgent Genetics
Classification: Uncertain significance for Dilated cardiomyopathy 1W; Hypertrophic cardiomyopathy 15. Last evaluated: 2021-10-18. Review status: criteria provided, single submitter. Criteria: ACMG Guidelines, 2015. Collection method: clinical testing. Allele origin: unknown.

GeneDx
Classification: Uncertain significance. Last evaluated: 2019-08-29. Review status: criteria provided, single submitter. Criteria: GeneDx Variant Classification Process June 2021. Collection method: clinical testing. Allele origin: germline. Affected: yes.
Comment: Has not been previously published as pathogenic or benign to our knowledge; Not observed at a significant frequency in large population cohorts (Lek et al., 2016); Frameshift variant predicted to result in protein truncation or nonsense mediated decay in a gene for which loss-of-function is not a known mechanism of disease

NM_014000.3(VCL):c.686dup (p.Asn229fs)

Gene: VCL (vinculin; plus strand). Cytogenetic location: 10q22.2.
Variant type: Duplication.
Coding change: c.686dup on transcript NM_014000.3 (MANE Select); coding-DNA position 686, one base duplicated (A; older notation c.686dupA).
Protein change: p.Asn229fs; shifts the reading frame from asparagine 229.
Molecular consequence: frameshift variant.
Genome position (GRCh38, 1-based): chr10:74,074,806, A duplicated; the last of 6 consecutive A bases (chr10:74,074,801-74,074,806); duplicating any one gives the same sequence. VCF-style (leftmost placement, unchanged base first): chr10-74074800-T-TA. GRCh37 (hg19) VCF-style: chr10-75834558-T-TA.
Other names: c.686dupA (NM_014000.2); c.686dup, p.Asn229fs (NM_003373.4); short protein forms N229fs.
Identifiers: ClinVar variation 1309830 (VCV001309830.9), dbSNP rs776583302, ClinGen allele CA5562834.